The following is an entry in ClinVar:

NM_001267550.2(TTN):c.68048A>G (p.Lys22683Arg)

Genes: TTN (titin; minus strand), TTN-AS1 (TTN antisense RNA 1; plus strand), LOC126806423 (CDK7 strongly-dependent group 2 enhancer GRCh37_chr2:179443309-179444508; plus strand). Cytogenetic location: 2q31.2.
Variant type: single nucleotide variant.
Coding change: c.68048A>G on transcript NM_001267550.2 (MANE Select); coding-DNA position 68048, A replaced by G.
Protein change: p.Lys22683Arg; replaces lysine 22683 with arginine.
Molecular consequence: missense variant.
Genome position (GRCh38, 1-based): chr2:178,578,982, T>C on the plus strand (A>G on the coding strand, the complement: TTN is on the minus strand). VCF-style: chr2-178578982-T-C. GRCh37 (hg19) VCF-style: chr2-179443709-T-C.
Other names: c.63125A>G, p.Lys21042Arg (NM_001256850.1); c.40853A>G, p.Lys13618Arg (NM_003319.4); c.60344A>G, p.Lys20115Arg (NM_133378.4); c.41228A>G, p.Lys13743Arg (NM_133432.3); c.41429A>G, p.Lys13810Arg (NM_133437.4); short protein forms K13810R, K20115R, K22683R, K21042R, K13618R, K13743R.
Identifiers: ClinVar variation 1737656 (VCV001737656.2), dbSNP rs2047081069, ClinGen allele CA349421888.

ClinVar aggregate classification (germline): Uncertain significance (1 of 4 stars; one submission).

Conditions:
Cardiovascular phenotype. Identifiers: MedGen CN230736.

Allele frequency attached by ClinVar (database versions not stated): TOPMed 0.00003.

Submission:

Ambry Genetics
Classification: Uncertain significance for Cardiovascular phenotype. Last evaluated: 2019-02-27. Review status: criteria provided, single submitter. Criteria: Ambry Variant Classification Scheme 2023. Collection method: clinical testing. Allele origin: germline.
Comment: The p.K13618R variant (also known as c.40853A>G), located in coding exon 147 of the TTN gene, results from an A to G substitution at nucleotide position 40853. The lysine at codon 13618 is replaced by arginine, an amino acid with highly similar properties. This amino acid position is highly conserved in available vertebrate species. In addition, this alteration is predicted to be probably damaging and unknown by PolyPhen and SIFT in silico analyses, respectively. Since supporting evidence is limited at this time, the clinical significance of this alteration remains unclear.